The following is an entry in ClinVar:

NM_000038.6(APC):c.5182A>G (p.Ile1728Val)

Gene: APC (APC regulator of Wnt signaling pathway; plus strand). Cytogenetic location: 5q22.2.
Variant type: single nucleotide variant.
Coding change: c.5182A>G on transcript NM_000038.6 (MANE Select); coding-DNA position 5182, A replaced by G.
Protein change: p.Ile1728Val; replaces isoleucine 1728 with valine.
Molecular consequence: missense variant.
Genome position (GRCh38, 1-based): chr5:112,840,776, A>G. VCF-style: chr5-112840776-A-G. GRCh37 (hg19) VCF-style: chr5-112176473-A-G.
Other names: c.5182A>G, p.Ile1728Val (NM_001127510.3, NM_001354895.2); c.5128A>G, p.Ile1710Val (NM_001127511.3); c.5236A>G, p.Ile1746Val (NM_001354896.2); c.5212A>G, p.Ile1738Val (NM_001354897.2); c.5107A>G, p.Ile1703Val (NM_001354898.2); c.5098A>G, p.Ile1700Val (NM_001354899.2); c.5059A>G, p.Ile1687Val (NM_001354900.2); c.5005A>G, p.Ile1669Val (NM_001354901.2); and 5 more; short protein forms I1627V, I1687V, I1637V, I1669V, I1710V, I1728V, I1738V, I1445V.
Identifiers: ClinVar variation 1042148 (VCV001042148.14), dbSNP rs778283715, ClinGen allele CA040889.

ClinVar aggregate classification (germline): Uncertain significance. Review status: criteria provided, multiple submitters, no conflicts (2 of 4 stars). 3 submissions from 3 submitters: Uncertain significance (3). Last evaluated 2025-04-02.

Conditions:
Hereditary cancer-predisposing syndrome. Also called: Hereditary Cancer Syndrome; Tumor predisposition; Hereditary neoplastic syndrome; Neoplastic Syndromes, Hereditary. Identifiers: Orphanet 140162, MedGen C0027672, MeSH D009386, MONDO:0015356.
Familial adenomatous polyposis 1 (FAP1). Also called: FAMILIAL ADENOMATOUS POLYPOSIS 1, ATTENUATED; POLYPOSIS, ADENOMATOUS INTESTINAL. Identifiers: MedGen C2713442, MONDO:0021056, OMIM 175100. Disease mechanism: loss of function.

Allele frequency attached by ClinVar (database versions not stated): gnomAD exomes below 0.00001; TOPMed below 0.00001; ExAC 0.00001.
gnomAD v4.1: 1 of 1,614,076 alleles (0.000062%); highest among the groups gnomAD compares: South Asian, 0.0011%; no homozygotes.

Submissions (3):

Ambry Genetics
Classification: Uncertain significance for Hereditary cancer-predisposing syndrome. Last evaluated: 2025-04-02. Review status: criteria provided, single submitter. Criteria: Ambry Variant Classification Scheme 2023. Collection method: clinical testing. Allele origin: germline.
Comment: The p.I1728V variant (also known as c.5182A>G), located in coding exon 15 of the APC gene, results from an A to G substitution at nucleotide position 5182. The isoleucine at codon 1728 is replaced by valine, an amino acid with highly similar properties. This amino acid position is highly conserved in available vertebrate species. In addition, in silico predictors for this gene do not accurately predict pathogenicity. Based on the available evidence, the clinical significance of this variant remains unclear.

GeneDx
Classification: Uncertain significance. Last evaluated: 2024-11-21. Review status: criteria provided, single submitter. Criteria: GeneDx Variant Classification Process June 2021. Collection method: clinical testing. Allele origin: germline. Affected: yes.
Comment: Not observed at significant frequency in large population cohorts (gnomAD); In silico analysis indicates that this missense variant does not alter protein structure/function; Has not been previously published as pathogenic or benign to our knowledge; This variant is associated with the following publications: (PMID: 18199528)

Labcorp Genetics (formerly Invitae), Labcorp
Classification: Uncertain significance for Familial adenomatous polyposis 1. Last evaluated: 2020-07-15. Review status: criteria provided, single submitter. Criteria: Invitae Variant Classification Sherloc (09022015). Collection method: clinical testing. Allele origin: germline.
Comment: This sequence change replaces isoleucine with valine at codon 1728 of the APC protein (p.Ile1728Val). The isoleucine residue is highly conserved and there is a small physicochemical difference between isoleucine and valine. This variant is present in population databases (rs778283715, ExAC 0.006%). This variant has not been reported in the literature in individuals with APC-related conditions. Algorithms developed to predict the effect of missense changes on protein structure and function (SIFT, PolyPhen-2, Align-GVGD) all suggest that this variant is likely to be disruptive, but these predictions have not been confirmed by published functional studies and their clinical significance is uncertain. In summary, the available evidence is currently insufficient to determine the role of this variant in disease. Therefore, it has been classified as a Variant of Uncertain Significance.